The following is an entry in ClinVar:

ClinVar aggregate classification (germline): Pathogenic. Review status: reviewed by expert panel (3 of 4 stars). 2 submissions from 2 submitters: Pathogenic (1). 1 of the submissions does not count toward it. Last evaluated 2016-09-08.

Conditions:
Breast-ovarian cancer, familial, susceptibility to, 1 (BROVCA1). Also called: BRCA1 Hereditary Breast and Ovarian Cancer; OVARIAN CANCER, SUSCEPTIBILITY TO. Identifiers: Orphanet 145, MedGen C2676676, MONDO:0011450, OMIM 604370. Disease mechanism: loss of function.

Submissions (2):

Evidence-based Network for the Interpretation of Germline Mutant Alleles (ENIGMA)
Classification: Pathogenic for Breast-ovarian cancer, familial, susceptibility to, 1. Last evaluated: 2016-09-08. Review status: reviewed by expert panel. Criteria: ENIGMA BRCA1/2 Classification Criteria (2015). Collection method: curation. Allele origin: germline.
Comment: Variant allele predicted to encode a truncated non-functional protein.

Breast Cancer Information Core (BIC) (BRCA1)
Classification: Pathogenic for Breast-ovarian cancer, familial 1. Review status: no assertion criteria provided. Collection method: clinical testing. Allele origin: germline. Affected: yes. Observed: 3 variant alleles. Not counted in ClinVar's aggregate classification.

NM_007294.4(BRCA1):c.3330_3331insA (p.Gln1111fs)

Genes: BRCA1 (BRCA1 DNA repair associated; minus strand), LOC126862571 (BRD4-independent group 4 enhancer GRCh37_chr17:41243136-41244335; plus strand). Cytogenetic location: 17q21.31.
Variant type: Insertion.
Coding change: c.3330_3331insA on transcript NM_007294.4 (MANE Select); coding-DNA positions 3330 to 3331, A inserted.
Protein change: p.Gln1111fs; shifts the reading frame from glutamine 1111.
Molecular consequence: frameshift variant. On other transcripts: intron variant (137).
Genome position: GRCh38 VCF-style: chr17-43092200-G-GT. GRCh37 (hg19) VCF-style: chr17-41244217-G-GT.
Other names: 3449insA; c.707-1169_707-1168insA (NM_001408413.1, NM_001408416.1); c.587-1169_587-1168insA (NM_001408476.1, NM_001408474.1); c.710-1169_710-1168insA (NM_001408409.1, NM_001408414.1, NM_001408411.1 and 2 more transcripts); c.575-1169_575-1168insA (NM_001408493.1, NM_001408490.1, NM_001408491.1); c.455-1169_455-1168insA (NM_001408502.1); c.578-1169_578-1168insA (NM_001408489.1, NM_001408479.1, NM_001408482.1 and 9 more transcripts); c.662-1169_662-1168insA (NM_001408445.1, NM_001408432.1, NM_001408450.1 and 6 more transcripts); and 42 more; short protein forms Q1111fs, Q1064fs, Q1043fs, Q1069fs, Q815fs, Q1000fs, Q1023fs, Q1070fs.
Identifiers: ClinVar variation 125629 (VCV000125629.4), dbSNP rs80357996, ClinGen allele CA002155.